The following is an entry in ClinVar:

ClinVar aggregate classification (germline): Benign/Likely benign. Review status: criteria provided, multiple submitters, no conflicts (2 of 4 stars). 4 submissions from 4 submitters: Benign (1); Likely benign (3). Last evaluated 2026-01-13.

Conditions:
Hereditary cancer-predisposing syndrome. Also called: Neoplastic Syndromes, Hereditary; Tumor predisposition; Hereditary Cancer Syndrome; Hereditary neoplastic syndrome. Identifiers: Orphanet 140162, MedGen C0027672, MeSH D009386, MONDO:0015356.
Familial cancer of breast. Also called: BREAST CANCER, FAMILIAL; Hereditary breast cancer; hereditary breast carcinoma. Identifiers: Orphanet 227535, MedGen C0346153, MONDO:0016419, OMIM 114480. Disease mechanism: loss of function.

Allele frequency attached by ClinVar (database versions not stated): gnomAD exomes 0.00001; TOPMed 0.00001; ExAC 0.00002.
gnomAD v4.1: 9 of 1,613,734 alleles (0.00056%); highest among the groups gnomAD compares: African/African-American, 0.0013%; no homozygotes.

Submissions (4):

Labcorp Genetics (formerly Invitae), Labcorp
Classification: Likely benign for Familial cancer of breast. Last evaluated: 2026-01-13. Review status: criteria provided, single submitter. Criteria: Invitae Variant Classification Sherloc (09022015). Collection method: clinical testing. Allele origin: germline.

Myriad Genetics, Inc.
Classification: Benign for Familial cancer of breast. Last evaluated: 2024-07-26. Review status: criteria provided, single submitter. Criteria: Myriad Autosomal Dominant, Autosomal Recessive and X-Linked Classification Criteria (2023). Collection method: clinical testing. Allele origin: unknown.
Comment: This variant is considered benign. This variant is a silent/synonymous amino acid change and it is not expected to impact splicing.

Color Diagnostics, LLC DBA Color Health
Classification: Likely benign for Hereditary cancer-predisposing syndrome. Last evaluated: 2015-07-16. Review status: criteria provided, single submitter. Criteria: ACMG Guidelines, 2015. Collection method: clinical testing. Allele origin: germline.

Ambry Genetics
Classification: Likely benign for Hereditary cancer-predisposing syndrome. Last evaluated: 2014-12-10. Review status: criteria provided, single submitter. Criteria: Ambry Variant Classification Scheme 2023. Collection method: clinical testing. Allele origin: germline.

NM_000465.4(BARD1):c.1633C>T (p.Leu545=)

Gene: BARD1 (BRCA1 associated RING domain 1; minus strand). Cytogenetic location: 2q35.
Variant type: single nucleotide variant.
Coding change: c.1633C>T on transcript NM_000465.4 (MANE Select); coding-DNA position 1633, C replaced by T.
Protein change: p.Leu545=; no amino-acid change (leucine 545 retained).
Molecular consequence: synonymous variant. On other transcripts: non-coding transcript variant (3), intron variant (1).
Genome position (GRCh38, 1-based): chr2:214,752,491, G>A on the plus strand (C>T on the coding strand, the complement: BARD1 is on the minus strand). VCF-style: chr2-214752491-G-A. GRCh37 (hg19) VCF-style: chr2-215617215-G-A.
Other names: c.1576C>T, p.Leu526= (NM_001282543.2); c.280C>T, p.Leu94= (NM_001282545.2); c.223C>T, p.Leu75= (NM_001282548.2); c.365-21983C>T (NM_001282549.2).
Identifiers: ClinVar variation 187397 (VCV000187397.20), dbSNP rs779307636, ClinGen allele CA197547.